The following is an entry in ClinVar:

ClinVar aggregate classification (germline): Uncertain significance (1 of 4 stars; one submission).

Conditions:
Myopathy, proximal, and ophthalmoplegia (CMYO6). Also called: MYOPATHY WITH CONGENITAL JOINT CONTRACTURES, OPHTHALMOPLEGIA, AND RIMMED VACUOLES; INCLUSION BODY MYOPATHY 3, AUTOSOMAL DOMINANT; CONGENITAL MYOPATHY 6 WITH OPHTHALMOPLEGIA. Identifiers: Orphanet 363677, Orphanet 79091, MedGen C1854106, MONDO:0011577, OMIM 605637.

Submission:

Labcorp Genetics (formerly Invitae), Labcorp
Classification: Uncertain significance for Myopathy, proximal, and ophthalmoplegia. Last evaluated: 2023-05-15. Review status: criteria provided, single submitter. Criteria: Invitae Variant Classification Sherloc (09022015). Collection method: clinical testing. Allele origin: germline.
Comment: In summary, the available evidence is currently insufficient to determine the role of this variant in disease. Therefore, it has been classified as a Variant of Uncertain Significance. Experimental studies and prediction algorithms are not available or were not evaluated, and the functional significance of this variant is currently unknown. This variant has not been reported in the literature in individuals affected with MYH2-related conditions. This variant is a gross deletion of the genomic region encompassing exon(s) 23-24 of the MYH2 gene. This variant would be expected to be in-frame, preserving the integrity of the reading frame.

NC_000017.10:g.(?_10432861)_(10433411_?)del

Gene: MYH2 (myosin heavy chain 2; minus strand). Cytogenetic location: 17p13.1.
Variant type: Deletion.
Identifiers: ClinVar variation 2426320 (VCV002426320.8).